The following is an entry in ClinVar:

ClinVar aggregate classification (germline): Uncertain significance. Review status: criteria provided, multiple submitters, no conflicts (2 of 4 stars). 2 submissions from 2 submitters: Uncertain significance (2). Last evaluated 2023-11-27.

Conditions:
Sitosterolemia (STSL). Also called: PHYTOSTEROLEMIA. Identifiers: Orphanet 2882, MedGen C0342907, MONDO:0008863.

Allele frequency attached by ClinVar (database versions not stated): gnomAD 0.00001; gnomAD exomes 0.00001; ExAC 0.00005; TOPMed 0.00005.
gnomAD v4.1: 8 of 1,563,888 alleles (0.00051%); highest among the groups gnomAD compares: Admixed American, 0.0057%; no homozygotes.

Submissions (2):

Labcorp Genetics (formerly Invitae), Labcorp
Classification: Uncertain significance for Sitosterolemia. Last evaluated: 2023-11-27. Review status: criteria provided, single submitter. Criteria: Invitae Variant Classification Sherloc (09022015). Collection method: clinical testing. Allele origin: germline.
Comment: This sequence change replaces valine, which is neutral and non-polar, with methionine, which is neutral and non-polar, at codon 115 of the ABCG5 protein (p.Val115Met). This variant is present in population databases (rs765063119, gnomAD 0.02%). This variant has not been reported in the literature in individuals affected with ABCG5-related conditions. ClinVar contains an entry for this variant (Variation ID: 2418039). Algorithms developed to predict the effect of missense changes on protein structure and function output the following: SIFT: "Not Available"; PolyPhen-2: "Benign"; Align-GVGD: "Not Available". The methionine amino acid residue is found in multiple mammalian species, which suggests that this missense change does not adversely affect protein function. In summary, the available evidence is currently insufficient to determine the role of this variant in disease. Therefore, it has been classified as a Variant of Uncertain Significance.

Women's Health and Genetics/Laboratory Corporation of America, LabCorp
Classification: Uncertain significance. Last evaluated: 2023-07-18. Review status: criteria provided, single submitter. Criteria: LabCorp Variant Classification Summary - May 2015. Collection method: clinical testing. Allele origin: germline.

NM_022436.3(ABCG5):c.343G>A (p.Val115Met)

Gene: ABCG5 (ATP binding cassette subfamily G member 5; minus strand). Cytogenetic location: 2p21.
Variant type: single nucleotide variant.
Coding change: c.343G>A on transcript NM_022436.3 (MANE Select); coding-DNA position 343, G replaced by A.
Protein change: p.Val115Met; replaces valine 115 with methionine.
Molecular consequence: missense variant.
Genome position (GRCh38, 1-based): chr2:43,832,006, C>T on the plus strand (G>A on the coding strand, the complement: ABCG5 is on the minus strand). VCF-style: chr2-43832006-C-T. GRCh37 (hg19) VCF-style: chr2-44059145-C-T.
Other names: c.343G>A (NM_022436.2); short protein forms V115M.
Identifiers: ClinVar variation 2418039 (VCV002418039.6), dbSNP rs765063119, ClinGen allele CA1636708.
Genomic context (GRCh38, chr2:43,832,006, plus strand): 5'-CCTGCAGGACGTAGGAGAAGCAGTCCTGGAACTGCTCCCGGCGCAGCGCCCGGCCGTTCA[C>T]ATACACCTCCCCCAGGAAGGTCCCCGCGCGCCCCAGCCTCCCGGACATGGCGTCCAGCAG-3'
Protein context (NP_071881.1, residues 105-125): RAGTFLGEVY[Val115Met]NGRALRREQF